The following is an entry in ClinVar:

NM_002764.4(PRPS1):c.789C>T (p.Asn263=)

Gene: PRPS1 (phosphoribosyl pyrophosphate synthetase 1; plus strand). Cytogenetic location: Xq22.3.
Variant type: single nucleotide variant.
Coding change: c.789C>T on transcript NM_002764.4 (MANE Select); coding-DNA position 789, C replaced by T.
Protein change: p.Asn263=; no amino-acid change (asparagine 263 retained).
Molecular consequence: synonymous variant.
Genome position (GRCh38, 1-based): chrX:107,647,690, C>T. VCF-style: chrX-107647690-C-T. GRCh37 (hg19) VCF-style: chrX-106890920-C-T.
Other names: c.177C>T, p.Asn59= (NM_001204402.2); c.789C>T (NM_002764.3).
Identifiers: ClinVar variation 1556425 (VCV001556425.10), dbSNP rs1210109668, ClinGen allele CA517921525.

ClinVar aggregate classification (germline): Likely benign. Review status: criteria provided, multiple submitters, no conflicts (2 of 4 stars). 3 submissions from 3 submitters: Likely benign (3). Last evaluated 2025-03-22.

Conditions:
Charcot-Marie-Tooth Neuropathy X. Identifiers: MedGen CN118851.
PRPS1-related disorder. Also called: PRPS1-related condition.

Allele frequency attached by ClinVar (database versions not stated): gnomAD exomes below 0.00001 and 0.00001; TOPMed below 0.00001; gnomAD 0.00001.
gnomAD v4.1: 3 of 1,208,855 alleles (0.00025%); highest among the groups gnomAD compares: African/African-American, 0.0018%; no homozygotes.

Submissions (3):

PreventionGenetics, part of Exact Sciences
Classification: Likely benign for PRPS1-related condition. Last evaluated: 2025-03-22. Review status: criteria provided, single submitter. Criteria: ACMG Guidelines, 2015. Collection method: clinical testing. Allele origin: germline.
Comment: This variant is classified as likely benign based on ACMG/AMP sequence variant interpretation guidelines (Richards et al. 2015 PMID: 25741868, with internal and published modifications).

Labcorp Genetics (formerly Invitae), Labcorp
Classification: Likely benign for Charcot-Marie-Tooth Neuropathy X. Last evaluated: 2023-11-13. Review status: criteria provided, single submitter. Criteria: Invitae Variant Classification Sherloc (09022015). Collection method: clinical testing. Allele origin: germline.

Blueprint Genetics
Classification: Likely benign. Last evaluated: 2023-10-03. Review status: criteria provided, single submitter. Criteria: ACMG Guidelines, 2015. Collection method: clinical testing. Allele origin: germline.